The following is an entry in ClinVar:

ClinVar aggregate classification (germline): Uncertain significance. Review status: criteria provided, multiple submitters, no conflicts (2 of 4 stars). 3 submissions from 3 submitters: Uncertain significance (3). Last evaluated 2025-11-26.

Conditions:
Epidermolysis bullosa simplex 3, localized or generalized intermediate, with BP230 deficiency (EBS3). Also called: Epidermolysis bullosa simplex, autosomal recessive 2; Epidermolysis bullosa simplex due to BP230 deficiency. Identifiers: Orphanet 412181, MedGen C3809470, MONDO:0014180, OMIM 615425.
Hereditary sensory and autonomic neuropathy type 6. Also called: HSAN VI; Neuropathy, hereditary sensory and autonomic, type VI. Identifiers: Orphanet 314381, MedGen C3539003, MONDO:0013839, OMIM 614653.
DST-related disorder. Also called: DST-related condition; DST-related disorders.
Inborn genetic diseases. Identifiers: MedGen C0950123, MeSH D030342.

Allele frequency attached by ClinVar (database versions not stated): ExAC 0.00002; TOPMed 0.00007; ESP Exome Variant Server 0.00017.
gnomAD v4.1: 204 of 1,531,494 alleles (0.013%); highest among the groups gnomAD compares: Non-Finnish European, 0.017%; no homozygotes.

Submissions (3):

PreventionGenetics, part of Exact Sciences
Classification: Uncertain significance for DST-related condition. Last evaluated: 2025-11-26. Review status: criteria provided, single submitter. Criteria: ACMG Guidelines, 2015. Collection method: clinical testing. Allele origin: germline.
Comment: The DST c.10912-3T>A variant is predicted to interfere with splicing. This variant is predicted to alter splicing based on available splicing prediction programs (Alamut Visual v1.6.1). However, the use of computer prediction programs is not equivalent to functional evidence. To our knowledge, this variant has not been reported in the literature. This variant is reported in 0.0042% of alleles in individuals of European (non-Finnish) descent in gnomAD. Although we suspect that this variant may be benign, at this time, the clinical significance of this variant is uncertain due to the absence of conclusive functional and genetic evidence.

Ambry Genetics
Classification: Uncertain significance for Inborn genetic diseases. Last evaluated: 2023-04-19. Review status: criteria provided, single submitter. Criteria: Ambry Variant Classification Scheme 2023. Collection method: clinical testing. Allele origin: germline.
Comment: The c.10912-3T>A intronic alteration consists of a T to A substitution 3 nucleotides before coding exon 60 in the DST gene. Based on insufficient or conflicting evidence, the clinical significance of this alteration remains unclear.

Labcorp Genetics (formerly Invitae), Labcorp
Classification: Uncertain significance for Epidermolysis bullosa simplex 3, localized or generalized intermediate, with BP230 deficiency; Hereditary sensory and autonomic neuropathy type 6. Last evaluated: 2022-09-01. Review status: criteria provided, single submitter. Criteria: Invitae Variant Classification Sherloc (09022015). Collection method: clinical testing. Allele origin: germline.
Comment: The DST gene has multiple clinically relevant transcripts. This variant occurs in alternate transcript NM_015548.4, and corresponds to NM_001723.5:c.*85740T>A in the primary transcript. This sequence change falls in intron 46 of the DST gene. It does not directly change the encoded amino acid sequence of the DST protein. It affects a nucleotide within the consensus splice site. The frequency data for this variant in the population databases is considered unreliable, as metrics indicate poor data quality at this position in the gnomAD database. This variant has not been reported in the literature in individuals affected with DST-related conditions. Variants that disrupt the consensus splice site are a relatively common cause of aberrant splicing (PMID: 17576681, 9536098). Algorithms developed to predict the effect of sequence changes on RNA splicing suggest that this variant may disrupt the consensus splice site. In summary, the available evidence is currently insufficient to determine the role of this variant in disease. Therefore, it has been classified as a Variant of Uncertain Significance.

Literature cited by the submitters: PubMed 17576681 (cited by Labcorp Genetics (formerly Invitae), Labcorp); PubMed 9536098 (cited by Labcorp Genetics (formerly Invitae), Labcorp).

NM_001374736.1(DST):c.17269-3T>A

Gene: DST (dystonin; minus strand). Cytogenetic location: 6p12.1.
Variant type: single nucleotide variant.
Coding change: c.17269-3T>A on transcript NM_001374736.1 (MANE Select); 3 bases into the intron before coding-DNA position 17269, T replaced by A.
Molecular consequence: intron variant.
Genome position (GRCh38, 1-based): chr6:56,529,777, A>T on the plus strand (T>A on the coding strand, the complement: DST is on the minus strand). VCF-style: chr6-56529777-A-T. GRCh37 (hg19) VCF-style: chr6-56394575-A-T.
Other names: c.10912-3T>A (NM_001144769.5); c.17269-3T>A (NM_001374722.1); c.17296-3T>A (NM_001374734.1); c.10498-3T>A (NM_001144770.2); c.10377+197T>A (NM_001374730.1); c.10378-3T>A (NM_183380.4); c.16635+197T>A (NM_001374729.1); c.9400-3T>A (NM_015548.5).
Identifiers: ClinVar variation 969864 (VCV000969864.8), dbSNP rs373884076, ClinGen allele CA3867464.